The following is an entry in ClinVar:

NM_000337.6(SGCD):c.*4395A>T

Gene: SGCD (sarcoglycan delta; plus strand). Cytogenetic location: 5q33.3.
Variant type: single nucleotide variant.
Coding change: c.*4395A>T on transcript NM_000337.6 (MANE Select); 4395 bases downstream of the stop codon, A replaced by T.
Molecular consequence: 3 prime UTR variant.
Genome position (GRCh38, 1-based): chr5:156,763,785, A>T. VCF-style: chr5-156763785-A-T. GRCh37 (hg19) VCF-style: chr5-156190796-A-T.
Other names: c.*4395A>T (NM_001128209.2).
Identifiers: ClinVar variation 352390 (VCV000352390.6), dbSNP rs10041876, ClinGen allele CA10623863.

ClinVar aggregate classification (germline): Benign (1 of 4 stars; one submission).

Conditions:
Qualitative or quantitative defects of delta-sarcoglycan. Identifiers: Orphanet 207070, MedGen C5680806, MONDO:0016144.

Allele frequency attached by ClinVar (database versions not stated): gnomAD 0.14916 and 0.15385; TOPMed 0.16529; 1000 Genomes Project 0.18211; 1000 Genomes Project 30x 0.19113.

Submission:

Illumina Laboratory Services, Illumina
Classification: Benign for Qualitative or quantitative defects of delta-sarcoglycan. Last evaluated: 2018-01-13. Review status: criteria provided, single submitter. Criteria: ICSL Variant Classification Criteria 13 December 2019. Collection method: clinical testing. Allele origin: germline.
Comment: This variant was observed in the ICSL laboratory as part of a predisposition screen in an ostensibly healthy population. It had not been previously curated by ICSL or reported in the Human Gene Mutation Database (HGMD: prior to June 1st, 2018), and was therefore a candidate for classification through an automated scoring system. Utilizing variant allele frequency, disease prevalence and penetrance estimates, and inheritance mode, an automated score was calculated to assess if this variant is too frequent to cause the disease. Based on the score and internal cut-off values, a variant classified as benign is not then subjected to further curation. The score for this variant resulted in a classification of benign for this disease.